The following is an entry in ClinVar:

NM_007294.4(BRCA1):c.5483G>C (p.Cys1828Ser)

Gene: BRCA1 (BRCA1 DNA repair associated; minus strand). Cytogenetic location: 17q21.31.
Variant type: single nucleotide variant.
Coding change: c.5483G>C on transcript NM_007294.4 (MANE Select); coding-DNA position 5483, G replaced by C.
Protein change: p.Cys1828Ser; replaces cysteine 1828 with serine.
Molecular consequence: missense variant. On other transcripts: synonymous variant (17).
Genome position (GRCh38, 1-based): chr17:43,045,787, C>G on the plus strand (G>C on the coding strand, the complement: BRCA1 is on the minus strand). VCF-style: chr17-43045787-C-G. GRCh37 (hg19) VCF-style: chr17-41197804-C-G.
Other names: c.5477G>C, p.Cys1826Ser (NM_001407642.1, NM_001407627.1, NM_001407628.1 and 13 more transcripts); c.5474G>C, p.Cys1825Ser (NM_001407644.1, NM_001407645.1); c.5471G>C, p.Cys1824Ser (NM_001407646.1); c.5468G>C, p.Cys1823Ser (NM_001407647.1); c.5426G>C, p.Cys1809Ser (NM_001407648.1); c.5423G>C, p.Cys1808Ser (NM_001407649.1); c.5405G>C, p.Cys1802Ser (NM_001407652.1, NM_001407653.1, NM_001407654.1 and 1 more transcripts); c.5402G>C, p.Cys1801Ser (NM_001407656.1, NM_001407657.1, NM_001407658.1); and 83 more; short protein forms C1828S, C1781S, C1849S, C724S, C1532S, C1674S, C1740S, C1756S.
Identifiers: ClinVar variation 868578 (VCV000868578.3), dbSNP rs2050885374, ClinGen allele CA10590347.

Conditions:
Breast-ovarian cancer, familial, susceptibility to, 1 (BROVCA1). Also called: BRCA1 Hereditary Breast and Ovarian Cancer; OVARIAN CANCER, SUSCEPTIBILITY TO. Identifiers: Orphanet 145, MedGen C2676676, MONDO:0011450, OMIM 604370. Disease mechanism: loss of function.

Submission:

Brotman Baty Institute, University of Washington
No classification provided (evidence only). Condition: Breast-ovarian cancer, familial 1. Review status: no classification provided. Collection method: in vitro. Allele origin: not applicable. Functional consequence: functionally_normal.
ClinVar note: "not provided" was previously submitted as the classification for the variant. However, the classification appeared to be based only on an observation of functional data so it was converted to no classification on 2025-07-30.